The following is an entry in ClinVar:

NM_000166.6(GJB1):c.1A>G (p.Met1Val)

Gene: GJB1 (gap junction protein beta 1; plus strand). Cytogenetic location: Xq13.1.
Variant type: single nucleotide variant.
Coding change: c.1A>G on transcript NM_000166.6 (MANE Select); coding-DNA position 1, A replaced by G.
Protein change: p.Met1Val; changes the start codon (methionine 1).
Molecular consequence: missense variant, initiator codon variant.
Genome position (GRCh38, 1-based): chrX:71,223,708, A>G. VCF-style: chrX-71223708-A-G. GRCh37 (hg19) VCF-style: chrX-70443558-A-G.
Other names: c.1A>G, p.Met1Val (NM_001097642.3); short protein forms M1V.
Identifiers: ClinVar variation 2431056 (VCV002431056.7), dbSNP rs1602348517, ClinGen allele CA413499238.

ClinVar aggregate classification (germline): Pathogenic/Likely pathogenic. Review status: criteria provided, multiple submitters, no conflicts (2 of 4 stars). 3 submissions from 3 submitters: Pathogenic (1); Likely pathogenic (1). 1 of the submissions does not count toward it. Last evaluated 2024-01-31.

Conditions:
Charcot-Marie-Tooth Neuropathy X. Identifiers: MedGen CN118851.
Charcot-Marie-Tooth disease X-linked dominant 1. Also called: HEREDITARY MOTOR AND SENSORY NEUROPATHY, X-LINKED; HMSN, X-LINKED; CHARCOT-MARIE-TOOTH NEUROPATHY, X-LINKED, 1; CHARCOT-MARIE-TOOTH PERONEAL MUSCULAR ATROPHY, X-LINKED; GJB1 Disorders: Charcot-Marie-Tooth Neuropathy (CMT1X) and Central Nervous System Phenotypes; Charcot-Marie-Tooth Neuropathy X Type 1. Identifiers: Orphanet 101075, MedGen C0393808, MONDO:0010549, OMIM 302800.

Submissions (3):

Labcorp Genetics (formerly Invitae), Labcorp
Classification: Pathogenic for Charcot-Marie-Tooth Neuropathy X. Last evaluated: 2024-01-31. Review status: criteria provided, single submitter. Criteria: Invitae Variant Classification Sherloc (09022015). Collection method: clinical testing. Allele origin: germline.
Comment: This sequence change affects the initiator methionine of the GJB1 mRNA. The next in-frame methionine is located at codon 34. This variant is not present in population databases (gnomAD no frequency). Disruption of the initiator codon has been observed in individuals with GJB1-related conditions (PMID: 20039784, 24958582, 25771809; Invitae). It has also been observed to segregate with disease in related individuals. ClinVar contains an entry for this variant (Variation ID: 2431056). Algorithms developed to predict the effect of variants on protein structure and function are not available or were not evaluated for this variant. Experimental studies have shown that disruption of the initiator codon affects GJB1 function (PMID: 25771809). For these reasons, this variant has been classified as Pathogenic.

Concord Molecular Medicine Laboratory, Concord Repatriation General Hospital
Classification: Likely pathogenic for Charcot-Marie-Tooth disease X-linked dominant 1. Last evaluated: 2023-11-05. Review status: criteria provided, single submitter. Criteria: ACMG Guidelines, 2015. Collection method: clinical testing. Allele origin: germline. Inheritance: X-linked dominant inheritance. Affected: yes. Observed: 1 heterozygote, 1 hemizygote.
Comment: The missense variant in the first coding position, c.1A>G, in GJB1 predicts a “start loss” as coding effect and affects the translation initiation codon, p.(Met1?). This variant is absent in control population (gnomAD). It has not been reported in literature, but a hemizygous c.1A>T start loss change has been described to cause CMTX1 (PMID: 24627108). Other missense variants at the same protein position have been reported as pathogenic (PMID: 24958482, 25771809, 27844031). Functional studies showed that the start codon mutation caused loss of protein (PMID: 25771809). In silico analysis suggests this variant to be damaging (REVEL: 0.972). The current evidence allows a classification of the variant as “likely pathogenic” (ACMG criteria: PP3_strong, PVS1_moderate, PM2_supporting).

Inherited Neuropathy Consortium Ii, University Of Miami
Classification: Pathogenic for Charcot-Marie-Tooth disease X-linked dominant 1. Last evaluated: 2020-01-07. Review status: no assertion criteria provided. Collection method: clinical testing. Allele origin: germline. Affected: yes. Not counted in ClinVar's aggregate classification.

Literature cited by the submitters: PubMed 20039784 (cited by Labcorp Genetics (formerly Invitae), Labcorp); PubMed 24958582 (cited by Labcorp Genetics (formerly Invitae), Labcorp); PubMed 25771809 (cited by Labcorp Genetics (formerly Invitae), Labcorp).